The following is an entry in ClinVar:

NM_198965.2(PTHLH):c.503C>T (p.Thr168Met)

Gene: PTHLH (parathyroid hormone like hormone; minus strand). Cytogenetic location: 12p11.22.
Variant type: single nucleotide variant.
Coding change: c.503C>T on transcript NM_198965.2 (MANE Select); coding-DNA position 503, C replaced by T.
Protein change: p.Thr168Met; replaces threonine 168 with methionine.
Molecular consequence: missense variant.
Genome position (GRCh38, 1-based): chr12:27,963,369, G>A on the plus strand (C>T on the coding strand, the complement: PTHLH is on the minus strand). VCF-style: chr12-27963369-G-A. GRCh37 (hg19) VCF-style: chr12-28116302-G-A.
Other names: c.503C>T, p.Thr168Met (NM_002820.3, NM_198964.2, NM_198966.2); c.503C>T (NM_198965.1); short protein forms T168M.
Identifiers: ClinVar variation 1920928 (VCV001920928.6), dbSNP rs1463175258, ClinGen allele CA384338662.
Genomic context (GRCh38, chr12:27,963,369, plus strand): 5'-AGCACCCCGCTGAGGCTACGGGCCAGAGAAGCCTGTTACCGTGAATCGAGCTCCAGCGAC[G>A]TTGTGGAGGTGTCAGACAGGTGGTCCCCTTCTAGCCCACTCCCAGTCACTCCAGAGTCTA-3'
Protein context (NP_945316.1, residues 158-177): EGDHLSDTST[Thr168Met]SLELDSRRH

ClinVar aggregate classification (germline): Uncertain significance. Review status: criteria provided, multiple submitters, no conflicts (2 of 4 stars). 2 submissions from 2 submitters: Uncertain significance (2). Last evaluated 2025-01-29.

Conditions:
Inborn genetic diseases. Identifiers: MedGen C0950123, MeSH D030342.

Allele frequency attached by ClinVar (database versions not stated): TOPMed below 0.00001.

Submissions (2):

Ambry Genetics
Classification: Uncertain significance for Inborn genetic diseases. Last evaluated: 2025-01-29. Review status: criteria provided, single submitter. Criteria: Ambry Variant Classification Scheme 2023. Collection method: clinical testing. Allele origin: germline.

Labcorp Genetics (formerly Invitae), Labcorp
Classification: Uncertain significance. Last evaluated: 2022-05-25. Review status: criteria provided, single submitter. Criteria: Invitae Variant Classification Sherloc (09022015). Collection method: clinical testing. Allele origin: germline.
Comment: In summary, the available evidence is currently insufficient to determine the role of this variant in disease. Therefore, it has been classified as a Variant of Uncertain Significance. Algorithms developed to predict the effect of missense changes on protein structure and function are either unavailable or do not agree on the potential impact of this missense change (SIFT: "Deleterious"; PolyPhen-2: "Benign"; Align-GVGD: "Class C0"). This variant has not been reported in the literature in individuals affected with PTHLH-related conditions. This variant is not present in population databases (gnomAD no frequency). This sequence change replaces threonine, which is neutral and polar, with methionine, which is neutral and non-polar, at codon 168 of the PTHLH protein (p.Thr168Met).